The following is an entry in ClinVar:

Conditions:
Arteriohepatic dysplasia. Also called: Alagille Syndrome. Identifiers: Orphanet 52, MedGen C0085280, MeSH D016738, MONDO:0007318.

Submission:

Gilbert/Spinner Lab, Children's Hospital of Philadelphia
No classification provided (evidence only). Condition: Alagille syndrome. Review status: no classification provided. Collection method: research. Allele origin: not applicable. Functional consequence: functionally_abnormal.
ClinVar note: "not provided" was previously submitted as the classification for the variant. However, the classification appeared to be based only on an observation of functional data so it was converted to no classification on 2025-07-30.

NM_000214.3(JAG1):c.899G>T (p.Cys300Phe)

Gene: JAG1 (jagged canonical Notch ligand 1; minus strand). Cytogenetic location: 20p12.2.
Variant type: single nucleotide variant.
Coding change: c.899G>T on transcript NM_000214.3 (MANE Select); coding-DNA position 899, G replaced by T.
Protein change: p.Cys300Phe; replaces cysteine 300 with phenylalanine.
Molecular consequence: missense variant.
Genome position (GRCh38, 1-based): chr20:10,652,238, C>A on the plus strand (G>T on the coding strand, the complement: JAG1 is on the minus strand). VCF-style: chr20-10652238-C-A. GRCh37 (hg19) VCF-style: chr20-10632886-C-A.
Other names: short protein forms C300F.
Identifiers: ClinVar variation 3573171 (VCV003573171.2).